The following is an entry in ClinVar:

NM_000138.5(FBN1):c.2677+3A>G

Gene: FBN1 (fibrillin 1; minus strand). Cytogenetic location: 15q21.1.
Variant type: single nucleotide variant.
Coding change: c.2677+3A>G on transcript NM_000138.5 (MANE Select); 3 bases into the intron after coding-DNA position 2677, A replaced by G.
Molecular consequence: intron variant.
Genome position (GRCh38, 1-based): chr15:48,495,120, T>C on the plus strand (A>G on the coding strand, the complement: FBN1 is on the minus strand). VCF-style: chr15-48495120-T-C. GRCh37 (hg19) VCF-style: chr15-48787317-T-C.
Identifiers: ClinVar variation 406343 (VCV000406343.6), dbSNP rs1060501071, ClinGen allele CA16614658.

ClinVar aggregate classification (germline): Uncertain significance (1 of 4 stars; one submission).

Conditions:
Marfan syndrome (MFS). Also called: Marfan syndrome, classic; Marfan syndrome type 1; Marfan's syndrome; MARFAN SYNDROME, TYPE I; FBN1-Related Marfan Syndrome. Identifiers: Orphanet 284963, Orphanet 558, MedGen C0024796, MONDO:0007947, OMIM 154700.
Familial thoracic aortic aneurysm and aortic dissection (TAAD). Also called: Thoracic aortic aneurysms and dissections. Identifiers: Orphanet 91387, MedGen C4707243, MONDO:0019625.

Submission:

Labcorp Genetics (formerly Invitae), Labcorp
Classification: Uncertain significance for Marfan syndrome; Familial thoracic aortic aneurysm and aortic dissection. Last evaluated: 2016-12-25. Review status: criteria provided, single submitter. Criteria: Invitae Variant Classification Sherloc (09022015). Collection method: clinical testing. Allele origin: germline.
Comment: This sequence change falls in intron 22 of the FBN1 gene. It does not directly change the encoded amino acid sequence of the FBN1 protein. This variant is not present in population databases (ExAC no frequency) and has not been reported in the literature in individuals with a FBN1-related disease. Algorithms developed to predict the effect of sequence changes on RNA splicing suggest that this variant may alter RNA splicing, but this prediction has not been confirmed by published transcriptional studies. In summary, this is a novel intronic change with uncertain impact on splicing. It has been classified as a Variant of Uncertain Significance.